The following is an entry in ClinVar:

NM_001044.5(SLC6A3):c.376G>C (p.Glu126Gln)

Gene: SLC6A3 (solute carrier family 6 member 3). Cytogenetic location: 5p15.33.
Variant type: single nucleotide variant.
Coding change: c.376G>C on transcript NM_001044.5 (MANE Select); coding-DNA position 376, G replaced by C.
Protein change: p.Glu126Gln; replaces glutamic acid 126 with glutamine.
Molecular consequence: missense variant.
Genome position (GRCh38, 1-based): chr5:1,441,401, C>G on the plus strand (G>C on the coding strand, the complement: SLC6A3 is on the minus strand). VCF-style: chr5-1441401-C-G. GRCh37 (hg19) VCF-style: chr5-1441516-C-G.
Other names: short protein forms E126Q.
Identifiers: ClinVar variation 640390 (VCV000640390.10), dbSNP rs746351989, ClinGen allele CA359063182.

ClinVar aggregate classification (germline): Uncertain significance (1 of 4 stars; one submission).

Conditions:
Parkinsonism-dystonia, infantile. Identifiers: Orphanet 238455, MedGen C2751067, MONDO:0013150.

Submission:

Labcorp Genetics (formerly Invitae), Labcorp
Classification: Uncertain significance for Parkinsonism-dystonia, infantile. Last evaluated: 2018-11-21. Review status: criteria provided, single submitter. Criteria: Invitae Variant Classification Sherloc (09022015). Collection method: clinical testing. Allele origin: germline.
Comment: This variant has not been reported in the literature in individuals with SLC6A3-related disease. Algorithms developed to predict the effect of missense changes on protein structure and function (SIFT, PolyPhen-2, Align-GVGD) all suggest that this variant is likely to be tolerated, but these predictions have not been confirmed by published functional studies and their clinical significance is uncertain. In summary, the available evidence is currently insufficient to determine the role of this variant in disease. Therefore, it has been classified as a Variant of Uncertain Significance. This variant is not present in population databases (ExAC no frequency). This sequence change replaces glutamic acid with glutamine at codon 126 of the SLC6A3 protein (p.Glu126Gln). The glutamic acid residue is moderately conserved and there is a small physicochemical difference between glutamic acid and glutamine.